The following is an entry in ClinVar:

ClinVar aggregate classification (germline): Uncertain significance (1 of 4 stars; one submission).

Submission:

Labcorp Genetics (formerly Invitae), Labcorp
Classification: Uncertain significance. Last evaluated: 2023-12-02. Review status: criteria provided, single submitter. Criteria: Invitae Variant Classification Sherloc (09022015). Collection method: clinical testing. Allele origin: germline.
Comment: This sequence change replaces lysine, which is basic and polar, with arginine, which is basic and polar, at codon 948 of the DLC1 protein (p.Lys948Arg). This variant is not present in population databases (gnomAD no frequency). This variant has not been reported in the literature in individuals affected with DLC1-related conditions. An algorithm developed to predict the effect of missense changes on protein structure and function (PolyPhen-2) suggests that this variant is likely to be disruptive. In summary, the available evidence is currently insufficient to determine the role of this variant in disease. Therefore, it has been classified as a Variant of Uncertain Significance.

NM_182643.3(DLC1):c.2843A>G (p.Lys948Arg)

Gene: DLC1 (DLC1 Rho GTPase activating protein; minus strand). Cytogenetic location: 8p22.
Variant type: single nucleotide variant.
Coding change: c.2843A>G on transcript NM_182643.3 (MANE Select); coding-DNA position 2843, A replaced by G.
Protein change: p.Lys948Arg; replaces lysine 948 with arginine.
Molecular consequence: missense variant.
Genome position (GRCh38, 1-based): chr8:13,099,494, T>C on the plus strand (A>G on the coding strand, the complement: DLC1 is on the minus strand). VCF-style: chr8-13099494-T-C. GRCh37 (hg19) VCF-style: chr8-12957003-T-C.
Other names: c.1532A>G, p.Lys511Arg (NM_006094.5, NM_001413135.1, NM_001413136.1 and 1 more transcripts); c.1310A>G, p.Lys437Arg (NM_001164271.2, NM_001348082.2, NM_001348083.1 and 6 more transcripts); c.1634A>G, p.Lys545Arg (NM_001316668.2, NM_001413129.1); c.2843A>G, p.Lys948Arg (NM_001348081.2, NM_001413124.1); c.1625A>G, p.Lys542Arg (NM_001413130.1); c.1283A>G, p.Lys428Arg (NM_001413131.1, NM_001413137.1); c.1769A>G, p.Lys590Arg (NM_001413132.1); c.1667A>G, p.Lys556Arg (NM_001413140.1); short protein forms K948R, K437R, K545R, K590R, K511R, K542R, K556R, K428R.
Identifiers: ClinVar variation 2700442 (VCV002700442.3), dbSNP rs2537062577, ClinGen allele CA370344242.